The following is an entry in ClinVar:

NM_001040108.2(MLH3):c.1903C>T (p.Pro635Ser)

Gene: MLH3 (mutL homolog 3; minus strand). Cytogenetic location: 14q24.3.
Variant type: single nucleotide variant.
Coding change: c.1903C>T on transcript NM_001040108.2 (MANE Select); coding-DNA position 1903, C replaced by T.
Protein change: p.Pro635Ser; replaces proline 635 with serine.
Molecular consequence: missense variant.
Genome position (GRCh38, 1-based): chr14:75,047,753, G>A on the plus strand (C>T on the coding strand, the complement: MLH3 is on the minus strand). VCF-style: chr14-75047753-G-A. GRCh37 (hg19) VCF-style: chr14-75514456-G-A.
Other names: c.1903C>T, p.Pro635Ser (NM_014381.3); short protein forms P635S.
Identifiers: ClinVar variation 1782345 (VCV001782345.3), dbSNP rs2139573851, ClinGen allele CA390443841.

ClinVar aggregate classification (germline): Uncertain significance (1 of 4 stars; one submission).

Submission:

Ambry Genetics
Classification: Uncertain significance. Last evaluated: 2025-01-27. Review status: criteria provided, single submitter. Criteria: Ambry Variant Classification Scheme 2023. Collection method: clinical testing. Allele origin: germline.
Comment: The p.P635S variant (also known as c.1903C>T), located in coding exon 1 of the MLH3 gene, results from a C to T substitution at nucleotide position 1903. The proline at codon 635 is replaced by serine, an amino acid with similar properties. This amino acid position is conserved. In addition, this alteration is predicted to be tolerated by in silico analysis. Since supporting evidence is limited at this time, the clinical significance of this alteration remains unclear.